The following is an entry in ClinVar:

NM_024529.5(CDC73):c.308-3C>T

Gene: CDC73 (cell division cycle 73; plus strand). Cytogenetic location: 1q31.2.
Variant type: single nucleotide variant.
Coding change: c.308-3C>T on transcript NM_024529.5 (MANE Select); 3 bases into the intron before coding-DNA position 308, C replaced by T.
Molecular consequence: intron variant.
Genome position (GRCh38, 1-based): chr1:193,135,388, C>T. VCF-style: chr1-193135388-C-T. GRCh37 (hg19) VCF-style: chr1-193104518-C-T.
Other names: c.308-3C>T (NM_024529.4).
Identifiers: ClinVar variation 2147707 (VCV002147707.5), dbSNP rs778135669, ClinGen allele CA1303327.

ClinVar aggregate classification (germline): Conflicting classifications of pathogenicity. Review status: criteria provided, conflicting classifications (1 of 4 stars). 2 submissions from 2 submitters: Uncertain significance (1); Likely benign (1). Last evaluated 2024-10-30.

Conditions:
Hereditary cancer-predisposing syndrome. Also called: Tumor predisposition; Hereditary neoplastic syndrome; Hereditary Cancer Syndrome; Neoplastic Syndromes, Hereditary. Identifiers: Orphanet 140162, MedGen C0027672, MeSH D009386, MONDO:0015356.
Parathyroid carcinoma (PRTC). Also called: Parathyroid gland carcinoma; CDC73-Related Parathyroid Carcinoma. Identifiers: Orphanet 143, MedGen C0687150, MONDO:0012004, OMIM 608266, HP:0006780.

Allele frequency attached by ClinVar (database versions not stated): ExAC 0.00001.

Submissions (2):

Labcorp Genetics (formerly Invitae), Labcorp
Classification: Likely benign for Parathyroid carcinoma. Last evaluated: 2024-10-30. Review status: criteria provided, single submitter. Criteria: Invitae Variant Classification Sherloc (09022015). Collection method: clinical testing. Allele origin: germline.

Ambry Genetics
Classification: Uncertain significance for Hereditary cancer-predisposing syndrome. Last evaluated: 2023-12-28. Review status: criteria provided, single submitter. Criteria: Ambry Variant Classification Scheme 2023. Collection method: clinical testing. Allele origin: germline.
Comment: The c.308-3C>T intronic variant results from a C to T substitution 3 nucleotides upstream from coding exon 4 in the CDC73 gene. This nucleotide position is not well conserved in available vertebrate species. In silico splice site analysis predicts that this alteration will not have any significant effect on splicing. Since supporting evidence is limited at this time, the clinical significance of this alteration remains unclear.